The following is an entry in ClinVar:

ClinVar aggregate classification (germline): Uncertain significance. Review status: criteria provided, multiple submitters, no conflicts (2 of 4 stars). 2 submissions from 2 submitters: Uncertain significance (2). Last evaluated 2023-11-09.

Conditions:
Inborn genetic diseases. Identifiers: MedGen C0950123, MeSH D030342.

Allele frequency attached by ClinVar (database versions not stated): ExAC 0.00001; gnomAD 0.00001; gnomAD exomes 0.00001; TOPMed 0.00001; 1000 Genomes Project 30x 0.00016; 1000 Genomes Project 0.00020.
gnomAD v4.1: 12 of 1,614,172 alleles (0.00074%); highest among the groups gnomAD compares: Admixed American, 0.013%; no homozygotes.

Submissions (2):

Ambry Genetics
Classification: Uncertain significance for Inborn genetic diseases. Last evaluated: 2023-11-09. Review status: criteria provided, single submitter. Criteria: Ambry Variant Classification Scheme 2023. Collection method: clinical testing. Allele origin: germline.

GeneDx
Classification: Uncertain significance. Last evaluated: 2020-02-25. Review status: criteria provided, single submitter. Criteria: GeneDx Variant Classification Process June 2021. Collection method: clinical testing. Allele origin: germline. Affected: yes.
Comment: Not observed at a significant frequency in large population cohorts (Lek et al., 2016); In silico analysis supports that this missense variant has a deleterious effect on protein structure/function; Has not been previously published as pathogenic or benign to our knowledge

NM_024596.5(MCPH1):c.2000T>C (p.Val667Ala)

Gene: MCPH1 (microcephalin 1; plus strand). Cytogenetic location: 8p23.1.
Variant type: single nucleotide variant.
Coding change: c.2000T>C on transcript NM_024596.5 (MANE Select); coding-DNA position 2000, T replaced by C.
Protein change: p.Val667Ala; replaces valine 667 with alanine.
Molecular consequence: missense variant. On other transcripts: intron variant (1).
Genome position (GRCh38, 1-based): chr8:6,480,740, T>C. VCF-style: chr8-6480740-T-C. GRCh37 (hg19) VCF-style: chr8-6338261-T-C.
Other names: c.2000T>C, p.Val667Ala (NM_001322042.2, NM_001363979.1); c.1935+25488T>C (NM_001363980.2); short protein forms V667A.
Identifiers: ClinVar variation 432566 (VCV000432566.4), dbSNP rs564538112, ClinGen allele CA4610780.